The following is an entry in ClinVar:

ClinVar aggregate classification (germline): Benign. Review status: criteria provided, multiple submitters, no conflicts (2 of 4 stars). 2 submissions from 2 submitters: Benign (2). Last evaluated 2018-07-07.

Conditions:
Neuronal ceroid lipofuscinosis 10 (CLN10). Also called: NEURONAL CEROID LIPOFUSCINOSIS DUE TO CATHEPSIN D DEFICIENCY; CTSD-Related Neuronal Ceroid-Lipofuscinosis. Identifiers: Orphanet 228337, MedGen C1864669, MONDO:0012414, OMIM 610127.

Allele frequency attached by ClinVar (database versions not stated): gnomAD 0.01455; 1000 Genomes Project 0.01498; TOPMed 0.01602.

Submissions (2):

GeneDx
Classification: Benign. Last evaluated: 2018-07-07. Review status: criteria provided, single submitter. Criteria: GeneDx Variant Classification Process June 2021. Collection method: clinical testing. Allele origin: germline. Affected: yes.

Illumina Laboratory Services, Illumina
Classification: Benign for Neuronal ceroid lipofuscinosis 10. Last evaluated: 2018-01-13. Review status: criteria provided, single submitter. Criteria: ICSL Variant Classification Criteria 13 December 2019. Collection method: clinical testing. Allele origin: germline.
Comment: This variant was observed in the ICSL laboratory as part of a predisposition screen in an ostensibly healthy population. It had not been previously curated by ICSL or reported in the Human Gene Mutation Database (HGMD: prior to June 1st, 2018), and was therefore a candidate for classification through an automated scoring system. Utilizing variant allele frequency, disease prevalence and penetrance estimates, and inheritance mode, an automated score was calculated to assess if this variant is too frequent to cause the disease. Based on the score and internal cut-off values, a variant classified as benign is not then subjected to further curation. The score for this variant resulted in a classification of benign for this disease.

NM_001909.5(CTSD):c.*300G>A

Gene: CTSD (cathepsin D; minus strand). Cytogenetic location: 11p15.5.
Variant type: single nucleotide variant.
Coding change: c.*300G>A on transcript NM_001909.5 (MANE Select); 300 bases downstream of the stop codon, G replaced by A.
Molecular consequence: 3 prime UTR variant.
Genome position (GRCh38, 1-based): chr11:1,753,203, C>T on the plus strand (G>A on the coding strand, the complement: CTSD is on the minus strand). VCF-style: chr11-1753203-C-T. GRCh37 (hg19) VCF-style: chr11-1774433-C-T.
Identifiers: ClinVar variation 303828 (VCV000303828.9), dbSNP rs113940256, ClinGen allele CA10638002.